The following is an entry in ClinVar:

ClinVar aggregate classification (germline): Uncertain significance (1 of 4 stars; one submission).

gnomAD v4.1: 8 of 1,613,684 alleles (0.0005%); highest among the groups gnomAD compares: Admixed American, 0.005%; no homozygotes.

Submission:

Labcorp Genetics (formerly Invitae), Labcorp
Classification: Uncertain significance. Last evaluated: 2025-01-06. Review status: criteria provided, single submitter. Criteria: Invitae Variant Classification Sherloc (09022015). Collection method: clinical testing. Allele origin: germline.
Comment: This sequence change replaces alanine, which is neutral and non-polar, with aspartic acid, which is acidic and polar, at codon 107 of the FUK protein (p.Ala107Asp). This variant is present in population databases (rs775584717, gnomAD 0.009%). This variant has not been reported in the literature in individuals affected with FUK-related conditions. An algorithm developed to predict the effect of missense changes on protein structure and function (PolyPhen-2) suggests that this variant is likely to be disruptive. In summary, the available evidence is currently insufficient to determine the role of this variant in disease. Therefore, it has been classified as a Variant of Uncertain Significance.

NM_145059.3(FCSK):c.320C>A (p.Ala107Asp)

Gene: FCSK (fucose kinase; plus strand). Cytogenetic location: 16q22.1.
Variant type: single nucleotide variant.
Coding change: c.320C>A on transcript NM_145059.3 (MANE Select); coding-DNA position 320, C replaced by A.
Protein change: p.Ala107Asp; replaces alanine 107 with aspartic acid.
Molecular consequence: missense variant.
Genome position (GRCh38, 1-based): chr16:70,466,166, C>A. VCF-style: chr16-70466166-C-A. GRCh37 (hg19) VCF-style: chr16-70500069-C-A.
Other names: short protein forms A107D.
Identifiers: ClinVar variation 3711909 (VCV003711909.2).
Genomic context (GRCh38, chr16:70,466,166, plus strand): 5'-TTCCTCACCAGTCCCCCGACTTCCAGGGTCGAGACTTCCCCTTTGATGACTGTGGCAGGG[C>A]TTTCACCTGCCTCCCCGTGGAGAACCCCGAGGCCCCCGTGGAAGCCTTGGTCTGCAACCT-3'
Protein context (NP_659496.2, residues 97-117): RDFPFDDCGR[Ala107Asp]FTCLPVENPE